The following is an entry in ClinVar:

ClinVar aggregate classification (germline): Uncertain significance. Review status: criteria provided, multiple submitters, no conflicts (2 of 4 stars). 4 submissions from 4 submitters: Uncertain significance (4). Last evaluated 2026-03-18.

Conditions:
SLC26A4-related disorder. Also called: SLC26A4-related condition; SLC26A4-related disorders.
Autosomal recessive nonsyndromic hearing loss 4 (DFNB4). Also called: NEUROSENSORY NONSYNDROMIC RECESSIVE DEAFNESS 4; Nonsyndromic enlarged vestibular aqueduct (NSEVA); DEAFNESS, AUTOSOMAL RECESSIVE 4, WITH ENLARGED VESTIBULAR AQUEDUCT, DIGENIC; Deafness, autosomal recessive 4, with enlarged vestibular aqueduct; Deafness, autosomal recessive 4; FOXI1-Related Pendred Syndrome. Identifiers: Orphanet 90636, MedGen C3538946, MONDO:0010933, OMIM 600791.
Pendred syndrome (PDS). Also called: THYROID DYSHORMONOGENESIS 2B; THYROID HORMONOGENESIS, GENETIC DEFECT IN, 2B; DEAFNESS WITH GOITER; GOITER-DEAFNESS SYNDROME; Pendred Syndrome (PDS); HYPOTHYROIDISM, CONGENITAL, DUE TO DYSHORMONOGENESIS, 2B. Identifiers: Orphanet 705, MedGen C0271829, MONDO:0010134, OMIM 274600.

Allele frequency attached by ClinVar (database versions not stated): ExAC 0.00001; gnomAD exomes 0.00002.
gnomAD v4.1: 27 of 1,613,616 alleles (0.0017%); highest among the groups gnomAD compares: East Asian, 0.018%; no homozygotes.

Submissions (4):

PreventionGenetics, part of Exact Sciences
Classification: Uncertain significance for SLC26A4-related condition. Last evaluated: 2026-03-18. Review status: criteria provided, single submitter. Criteria: ACMG Guidelines, 2015. Collection method: clinical testing. Allele origin: germline.
Comment: The SLC26A4 c.1300G>A variant is predicted to result in the amino acid substitution p.Ala434Thr. This variant has been reported in the heterozygous state in multiple individuals with congenital bilateral sensorineural deafness, enlarged vestibular aqueduct, palmoplantar lichen planus, and congenital hypothyroidism (Ogawa et al. 2013. PubMed ID: 22924538; Wang et al. 2020. PubMed ID: 32319661; Wu et al. 2019. PubMed ID: 30762455). However, this variant has also been identified in a normal-hearing individual who carried this variant in trans with a pathogenic SLC26A4 variant, with no signs of enlarged vestibular aqueduct (He et al. 2017. PubMed ID: 28900111). This variant is reported in 0.0087% of alleles in individuals of Latino descent in gnomAD. An alternate missense substitution affecting the same amino acid position (p.Ala434Asp) has also been reported with a second SLC26A4 variant in an individual with enlarged vestibular aqueducts (Roesch et al. 2018. PubMed ID: 29320412). At this time, the clinical significance of the c.1300G>A (p.Ala434Thr) variant is uncertain due to the absence of conclusive functional and genetic evidence.

GeneDx
Classification: Uncertain significance. Last evaluated: 2025-02-28. Review status: criteria provided, single submitter. Criteria: GeneDx Variant Classification Process June 2021. Collection method: clinical testing. Allele origin: germline. Affected: yes.
Comment: Identified in a patient with bilateral congenital sensorineural hearing loss and enlarged vestibular aqueduct in published literature, however, a second SLC26A4 variant was not identified (PMID: 24599119); Identified in a patient with Pendred syndrome in published literature who was also heterozygous for an EPHA2 variant, leading authors to suggest digenic inheritance (PMID: 22924538, 32165640); In silico analysis indicates that this missense variant does not alter protein structure/function; This variant is associated with the following publications: (PMID: 28900111, 34426522, 30762455, 27771369, 32319661, 24599119, 22924538, 32165640)

Department of Pathology and Laboratory Medicine, Sinai Health System
Classification: Uncertain significance for Autosomal recessive nonsyndromic hearing loss 4; Pendred syndrome. Last evaluated: 2023-09-21. Review status: criteria provided, single submitter. Criteria: ACMG Guidelines, 2015. Collection method: research. Allele origin: germline.

Women's Health and Genetics/Laboratory Corporation of America, LabCorp
Classification: Uncertain significance. Last evaluated: 2022-06-14. Review status: criteria provided, single submitter. Criteria: LabCorp Variant Classification Summary - May 2015. Collection method: clinical testing. Allele origin: germline.
Comment: Variant summary: SLC26A4 c.1300G>A (p.Ala434Thr) results in a non-conservative amino acid change in the encoded protein sequence. Three of five in-silico tools predict a benign effect of the variant on protein function. The variant allele was found at a frequency of 2.4e-05 in 250878 control chromosomes (gnomAD). The available data on variant occurrences in the general population are insufficient to allow any conclusion about variant significance. c.1300G>A has been reported in the literature in heterozygous individuals affected with hearing loss (Ogawa_2013, Miyagawa_2014, Wu_2019), but it was also reported in compound heterozygosity with a known pathogenic SLC26A4 variant (c.919-2A>G) in a normal hearing individual (He_2017). To our knowledge, no experimental evidence demonstrating an impact on protein function has been reported. No clinical diagnostic laboratories have submitted clinical-significance assessments for this variant to ClinVar after 2014. Based on the evidence outlined above, the variant was classified as uncertain significance.

Literature cited by the submitters: PubMed 28900111 (cited by Women's Health and Genetics/Laboratory Corporation of America, LabCorp); PubMed 32165640 (cited by Women's Health and Genetics/Laboratory Corporation of America, LabCorp); PubMed 24599119 (cited by Women's Health and Genetics/Laboratory Corporation of America, LabCorp); PubMed 22924538 (cited by Women's Health and Genetics/Laboratory Corporation of America, LabCorp); PubMed 32319661 (cited by Women's Health and Genetics/Laboratory Corporation of America, LabCorp); PubMed 30762455 (cited by Women's Health and Genetics/Laboratory Corporation of America, LabCorp).

NM_000441.2(SLC26A4):c.1300G>A (p.Ala434Thr)

Gene: SLC26A4 (solute carrier family 26 member 4; plus strand). Cytogenetic location: 7q22.3.
Variant type: single nucleotide variant.
Coding change: c.1300G>A on transcript NM_000441.2 (MANE Select); coding-DNA position 1300, G replaced by A.
Protein change: p.Ala434Thr; replaces alanine 434 with threonine.
Molecular consequence: missense variant.
Genome position (GRCh38, 1-based): chr7:107,694,439, G>A. VCF-style: chr7-107694439-G-A. GRCh37 (hg19) VCF-style: chr7-107334884-G-A.
Other names: short protein forms A434T.
Identifiers: ClinVar variation 1698554 (VCV001698554.4), dbSNP rs757552791, ClinGen allele CA4432772.